The following is an entry in ClinVar:

ClinVar aggregate classification (germline): Likely benign. Review status: criteria provided, multiple submitters, no conflicts (2 of 4 stars). 4 submissions from 4 submitters: Likely benign (3). 1 of the submissions does not count toward it. Last evaluated 2025-03-17.

Conditions:
Imerslund-Grasbeck syndrome. Also called: ENTEROCYTE COBALAMIN MALABSORPTION; ENTEROCYTE INTRINSIC FACTOR RECEPTOR, DEFECT OF; Megaloblastic anemia due to inborn errors of metabolism; Imerslund-Gräsbeck syndrome; PERNICIOUS ANEMIA, JUVENILE, DUE TO SELECTIVE INTESTINAL MALABSORPTION OF VITAMIN B12, WITH PROTEINURIA. Identifiers: Orphanet 35858, MedGen C4551825, MONDO:0009853.
Proteinuria, chronic benign. Identifiers: MedGen C5394384, MONDO:0030042, OMIM 618884.
Imerslund-Grasbeck syndrome type 1 (IGS1). Also called: Megaloblastic anemia 1, Finnish type; MEGALOBLASTIC ANEMIA, 1; Imerslund-Gräsbeck syndrome 1. Identifiers: MedGen C4016819, MONDO:0100156, OMIM 261100.
CUBN-related disorder. Also called: CUBN-related condition.

Allele frequency attached by ClinVar (database versions not stated): gnomAD 0.00001 and 0.00002; TOPMed 0.00002; gnomAD exomes 0.00005 and 0.00008; ExAC 0.00008.
gnomAD v4.1: 78 of 1,610,458 alleles (0.0048%); highest among the groups gnomAD compares: South Asian, 0.058%; no homozygotes.

Submissions (4):

Labcorp Genetics (formerly Invitae), Labcorp
Classification: Likely benign for Imerslund-Grasbeck syndrome. Last evaluated: 2025-03-17. Review status: criteria provided, single submitter. Criteria: Invitae Variant Classification Sherloc (09022015). Collection method: clinical testing. Allele origin: germline.

Blueprint Genetics
Classification: Likely benign. Last evaluated: 2024-11-26. Review status: criteria provided, single submitter. Criteria: ACMG Guidelines, 2015. Collection method: clinical testing. Allele origin: germline.

Fulgent Genetics
Classification: Likely benign for Imerslund-Grasbeck syndrome type 1; Proteinuria, chronic benign. Last evaluated: 2022-01-14. Review status: criteria provided, single submitter. Criteria: ACMG Guidelines, 2015. Collection method: clinical testing. Allele origin: unknown.

PreventionGenetics, part of Exact Sciences
Classification: Likely benign for CUBN-related condition. Last evaluated: 2023-03-08. Review status: no assertion criteria provided. Collection method: clinical testing. Allele origin: germline. Not counted in ClinVar's aggregate classification.
Comment: This variant is classified as likely benign based on ACMG/AMP sequence variant interpretation guidelines (Richards et al. 2015 PMID: 25741868, with internal and published modifications).

NM_001081.4(CUBN):c.2997A>G (p.Thr999=)

Gene: CUBN (cubilin; minus strand). Cytogenetic location: 10p13.
Variant type: single nucleotide variant.
Coding change: c.2997A>G on transcript NM_001081.4 (MANE Select); coding-DNA position 2997, A replaced by G.
Protein change: p.Thr999=; no amino-acid change (threonine 999 retained).
Molecular consequence: synonymous variant.
Genome position (GRCh38, 1-based): chr10:17,068,075, T>C on the plus strand (A>G on the coding strand, the complement: CUBN is on the minus strand). VCF-style: chr10-17068075-T-C. GRCh37 (hg19) VCF-style: chr10-17110074-T-C.
Other names: c.2997A>G (NM_001081.3).
Identifiers: ClinVar variation 1665227 (VCV001665227.12), dbSNP rs762336429, ClinGen allele CA5424802.